The following is an entry in ClinVar:

ClinVar aggregate classification (germline): Benign/Likely benign. Review status: criteria provided, multiple submitters, no conflicts (2 of 4 stars). 3 submissions from 3 submitters: Benign (1); Likely benign (1). 1 of the submissions does not count toward it. Last evaluated 2025-12-15.

Conditions:
Kabuki syndrome. Also called: Kabuki make-up syndrome; NIIKAWA-KUROKI SYNDROME. Identifiers: Orphanet 2322, MedGen C0796004, MONDO:0016512.
KMT2D-related disorder. Also called: KMT2D-Related Disorders.

Allele frequency attached by ClinVar (database versions not stated): gnomAD 0.00002; gnomAD exomes 0.00002; TOPMed 0.00003; ExAC 0.00008; ESP Exome Variant Server 0.00008.
gnomAD v4.1: 26 of 1,613,798 alleles (0.0016%); highest among the groups gnomAD compares: East Asian, 0.045%; no homozygotes.

Submissions (3):

Labcorp Genetics (formerly Invitae), Labcorp
Classification: Benign for Kabuki syndrome. Last evaluated: 2025-12-15. Review status: criteria provided, single submitter. Criteria: Invitae Variant Classification Sherloc (09022015). Collection method: clinical testing. Allele origin: germline.

Blueprint Genetics
Classification: Likely benign. Last evaluated: 2024-06-28. Review status: criteria provided, single submitter. Criteria: ACMG Guidelines, 2015. Collection method: clinical testing. Allele origin: germline.

PreventionGenetics, part of Exact Sciences
Classification: Likely benign for KMT2D-related condition. Last evaluated: 2023-03-16. Review status: no assertion criteria provided. Collection method: clinical testing. Allele origin: germline. Not counted in ClinVar's aggregate classification.
Comment: This variant is classified as likely benign based on ACMG/AMP sequence variant interpretation guidelines (Richards et al. 2015 PMID: 25741868, with internal and published modifications).

NM_003482.4(KMT2D):c.186G>A (p.Pro62=)

Gene: KMT2D (lysine methyltransferase 2D; minus strand). Cytogenetic location: 12q13.12.
Variant type: single nucleotide variant.
Coding change: c.186G>A on transcript NM_003482.4 (MANE Select); coding-DNA position 186, G replaced by A.
Protein change: p.Pro62=; no amino-acid change (proline 62 retained).
Molecular consequence: synonymous variant.
Genome position (GRCh38, 1-based): chr12:49,054,742, C>T on the plus strand (G>A on the coding strand, the complement: KMT2D is on the minus strand). VCF-style: chr12-49054742-C-T. GRCh37 (hg19) VCF-style: chr12-49448525-C-T.
Identifiers: ClinVar variation 2079687 (VCV002079687.7), dbSNP rs367774720, ClinGen allele CA6548773.